The following is an entry in ClinVar:

NM_013266.4(CTNNA3):c.1733-3C>T

Gene: CTNNA3 (catenin alpha 3; minus strand). Cytogenetic location: 10q21.3.
Variant type: single nucleotide variant.
Coding change: c.1733-3C>T on transcript NM_013266.4 (MANE Select); 3 bases into the intron before coding-DNA position 1733, C replaced by T.
Molecular consequence: intron variant.
Genome position (GRCh38, 1-based): chr10:66,280,624, G>A on the plus strand (C>T on the coding strand, the complement: CTNNA3 is on the minus strand). VCF-style: chr10-66280624-G-A. GRCh37 (hg19) VCF-style: chr10-68040382-G-A.
Other names: c.1733-3C>T (NM_001127384.3).
Identifiers: ClinVar variation 2039728 (VCV002039728.4), dbSNP rs990944705, ClinGen allele CA208991560.
Genomic context (GRCh38, chr10:66,280,624, plus strand): 5'-GAGCTTTTGCTTAAGGCTTCCAAGGCAACATTCACTTGTGTTACAAATTCAGGAATTACT[G>A]TTAAAATAAAGAATAAGGAGAAGATTGTCCTCTTTGTATTTTTGGATTTATACAGTAGTT-3'

ClinVar aggregate classification (germline): Uncertain significance (1 of 4 stars; one submission).

Conditions:
Arrhythmogenic right ventricular dysplasia 13. Also called: ARRHYTHMOGENIC RIGHT VENTRICULAR CARDIOMYOPATHY 13; Arrhythmogenic right ventricular dysplasia, familial, 13. Identifiers: MedGen C3810138, MONDO:0000908, OMIM 615616.

Allele frequency attached by ClinVar (database versions not stated): gnomAD 0.00001; TOPMed 0.00001.
gnomAD v4.1: 4 of 1,599,922 alleles (0.00025%); highest among the groups gnomAD compares: Admixed American, 0.0068%; no homozygotes.

Submission:

Labcorp Genetics (formerly Invitae), Labcorp
Classification: Uncertain significance for Arrhythmogenic right ventricular dysplasia 13. Last evaluated: 2024-01-21. Review status: criteria provided, single submitter. Criteria: Invitae Variant Classification Sherloc (09022015). Collection method: clinical testing. Allele origin: germline.
Comment: This sequence change falls in intron 12 of the CTNNA3 gene. It does not directly change the encoded amino acid sequence of the CTNNA3 protein. It affects a nucleotide within the consensus splice site. This variant is present in population databases (no rsID available, gnomAD 0.006%). This variant has not been reported in the literature in individuals affected with CTNNA3-related conditions. ClinVar contains an entry for this variant (Variation ID: 2039728). Variants that disrupt the consensus splice site are a relatively common cause of aberrant splicing (PMID: 17576681, 9536098). Algorithms developed to predict the effect of sequence changes on RNA splicing suggest that this variant is not likely to affect RNA splicing. In summary, the available evidence is currently insufficient to determine the role of this variant in disease. Therefore, it has been classified as a Variant of Uncertain Significance.

Literature cited by the submitters: PubMed 17576681; PubMed 9536098.